The following is an entry in ClinVar:

ClinVar aggregate classification (germline): Uncertain significance. Review status: criteria provided, multiple submitters, no conflicts (2 of 4 stars). 2 submissions from 2 submitters: Uncertain significance (2). Last evaluated 2024-12-03.

Conditions:
Nephronophthisis. Also called: Juvenile Nephronophthisis. Identifiers: Orphanet 655, MedGen C0687120, MONDO:0019005, HP:0000090.
Jeune thoracic dystrophy. Also called: Jeune syndrome; Infantile thoracic dystrophy; Thoracic pelvic phalangeal dystrophy; Jeune's syndrome; Chondroectodermal dysplasia-like syndrome; Short-rib thoracic dysplasia. Identifiers: Orphanet 474, MedGen C0265275, MONDO:0018770.
Inborn genetic diseases. Identifiers: MedGen C0950123, MeSH D030342.

Allele frequency attached by ClinVar (database versions not stated): TOPMed below 0.00001; gnomAD exomes 0.00001.
gnomAD v4.1: 9 of 1,613,048 alleles (0.00056%); highest among the groups gnomAD compares: South Asian, 0.0033%; 1 homozygote.

Submissions (2):

Ambry Genetics
Classification: Uncertain significance for Inborn genetic diseases. Last evaluated: 2024-12-03. Review status: criteria provided, single submitter. Criteria: Ambry Variant Classification Scheme 2023. Collection method: clinical testing. Allele origin: germline.

Labcorp Genetics (formerly Invitae), Labcorp
Classification: Uncertain significance for Jeune thoracic dystrophy; Nephronophthisis. Last evaluated: 2021-09-01. Review status: criteria provided, single submitter. Criteria: Invitae Variant Classification Sherloc (09022015). Collection method: clinical testing. Allele origin: germline.
Comment: This sequence change replaces leucine with phenylalanine at codon 727 of the TTC21B protein (p.Leu727Phe). The leucine residue is highly conserved and there is a small physicochemical difference between leucine and phenylalanine. This variant is not present in population databases (ExAC no frequency). This variant has not been reported in the literature in individuals affected with TTC21B-related conditions. Algorithms developed to predict the effect of missense changes on protein structure and function are either unavailable or do not agree on the potential impact of this missense change (SIFT: "Deleterious"; PolyPhen-2: "Probably Damaging"; Align-GVGD: "Class C0"). In summary, the available evidence is currently insufficient to determine the role of this variant in disease. Therefore, it has been classified as a Variant of Uncertain Significance.

NM_024753.5(TTC21B):c.2179C>T (p.Leu727Phe)

Gene: TTC21B (tetratricopeptide repeat domain 21B; minus strand). Cytogenetic location: 2q24.3.
Variant type: single nucleotide variant.
Coding change: c.2179C>T on transcript NM_024753.5 (MANE Select); coding-DNA position 2179, C replaced by T.
Protein change: p.Leu727Phe; replaces leucine 727 with phenylalanine.
Molecular consequence: missense variant.
Genome position (GRCh38, 1-based): chr2:165,913,606, G>A on the plus strand (C>T on the coding strand, the complement: TTC21B is on the minus strand). VCF-style: chr2-165913606-G-A. GRCh37 (hg19) VCF-style: chr2-166770116-G-A.
Other names: c.2179C>T (NM_024753.3); short protein forms L727F.
Identifiers: ClinVar variation 1355750 (VCV001355750.6), dbSNP rs1214420591, ClinGen allele CA349058338.
Genomic context (GRCh38, chr2:165,913,606, plus strand): 5'-TGCAGTTCAGTAACATCAGAAATTTTACCTCTAGAATATTCATGTATGCATCACCAAGGA[G>A]AAGAAAAGACCGAGGGTTAGCCATTCTTTCAGCAATTTCTCTGGAAATCAGACCAACATT-3'
Protein context (NP_079029.3, residues 717-737): ERMANPRSFL[Leu727Phe]LGDAYMNILE